The following is an entry in ClinVar:

NM_000326.5(RLBP1):c.202G>A (p.Glu68Lys)

Gene: RLBP1 (retinaldehyde binding protein 1; minus strand). Cytogenetic location: 15q26.1.
Variant type: single nucleotide variant.
Coding change: c.202G>A on transcript NM_000326.5 (MANE Select); coding-DNA position 202, G replaced by A.
Protein change: p.Glu68Lys; replaces glutamic acid 68 with lysine.
Molecular consequence: missense variant.
Genome position (GRCh38, 1-based): chr15:89,217,264, C>T on the plus strand (G>A on the coding strand, the complement: RLBP1 is on the minus strand). VCF-style: chr15-89217264-C-T. GRCh37 (hg19) VCF-style: chr15-89760495-C-T.
Other names: short protein forms E68K.
Identifiers: ClinVar variation 1368201 (VCV001368201.8), dbSNP rs1596184582, ClinGen allele CA393731004.
Genomic context (GRCh38, chr15:89,217,264, plus strand): 5'-CCCTCTCCGCCACGGCCACCGCCAGCTCCTCCCCCGAGGCCGCCTGCGCCTGCACCATCT[C>T]CTGCAGCTCTCGCACTGCCTCCTCCCGGGTCTCCTCTCTCTCGTTCAGCTCATCCTTGGC-3'
Protein context (NP_000317.1, residues 58-78): TREEAVRELQ[Glu68Lys]MVQAQAASGE

ClinVar aggregate classification (germline): Uncertain significance (1 of 4 stars; one submission).

Submission:

Labcorp Genetics (formerly Invitae), Labcorp
Classification: Uncertain significance. Last evaluated: 2021-07-17. Review status: criteria provided, single submitter. Criteria: Invitae Variant Classification Sherloc (09022015). Collection method: clinical testing. Allele origin: germline.
Comment: This variant has not been reported in the literature in individuals affected with RLBP1-related conditions. Algorithms developed to predict the effect of missense changes on protein structure and function output the following: SIFT: "Tolerated"; PolyPhen-2: "Benign"; Align-GVGD: "Class C0". The lysine amino acid residue is found in multiple mammalian species, which suggests that this missense change does not adversely affect protein function. In summary, the available evidence is currently insufficient to determine the role of this variant in disease. Therefore, it has been classified as a Variant of Uncertain Significance. This sequence change replaces glutamic acid with lysine at codon 68 of the RLBP1 protein (p.Glu68Lys). The glutamic acid residue is weakly conserved and there is a small physicochemical difference between glutamic acid and lysine. This variant is not present in population databases (ExAC no frequency).